The following is an entry in ClinVar:

NM_000180.4(GUCY2D):c.2182G>A (p.Asp728Asn)

Gene: GUCY2D (guanylate cyclase 2D, retinal; plus strand). Cytogenetic location: 17p13.1.
Variant type: single nucleotide variant.
Coding change: c.2182G>A on transcript NM_000180.4 (MANE Select); coding-DNA position 2182, G replaced by A.
Protein change: p.Asp728Asn; replaces aspartic acid 728 with asparagine.
Molecular consequence: missense variant.
Genome position (GRCh38, 1-based): chr17:8,013,171, G>A. VCF-style: chr17-8013171-G-A. GRCh37 (hg19) VCF-style: chr17-7916489-G-A.
Other names: short protein forms D728N.
Identifiers: ClinVar variation 866419 (VCV000866419.12), dbSNP rs766646217, ClinGen allele CA8366038.

ClinVar aggregate classification (germline): Pathogenic/Likely pathogenic. Review status: criteria provided, multiple submitters, no conflicts (2 of 4 stars). 3 submissions from 3 submitters: Pathogenic (1); Likely pathogenic (2). Last evaluated 2025-06-12.

Conditions:
GUCY2D-related disorders.
Cone-rod dystrophy 6 (CORD6). Also called: RETINAL CONE DYSTROPHY 2; Cone dystrophy progressive. Identifiers: Orphanet 1872, MedGen C1866293, MONDO:0011143, OMIM 601777.
Leber congenital amaurosis 1 (LCA1). Also called: Congenital absence of the rods and cones; Leber's congenital tapetoretinal degeneration; Leber's congenital tapetoretinal dysplasia; RETINAL BLINDNESS, CONGENITAL; AMAUROSIS CONGENITA OF LEBER I. Identifiers: Orphanet 65, MedGen C2931258, MONDO:0008764, OMIM 204000.
Leber congenital amaurosis (LCA). Also called: Leber's amaurosis. Identifiers: Orphanet 65, MedGen C0339527, MeSH D057130, MONDO:0018998.

Allele frequency attached by ClinVar (database versions not stated): TOPMed below 0.00001; gnomAD 0.00001; gnomAD exomes 0.00001; ExAC 0.00002.

Submissions (3):

Women's Health and Genetics/Laboratory Corporation of America, LabCorp
Classification: Likely pathogenic for Leber congenital amaurosis. Last evaluated: 2025-06-12. Review status: criteria provided, single submitter. Criteria: LabCorp Variant Classification Summary - May 2015. Collection method: clinical testing. Allele origin: germline.
Comment: Variant summary: GUCY2D c.2182G>A (p.Asp728Asn) results in a conservative amino acid change located in the Protein kinase domain (IPR000719) of the encoded protein sequence. Algorithms developed to predict the effect of missense changes on protein structure and function are either unavailable or do not agree on the potential impact of this missense change. The variant allele was found at a frequency of 8e-06 in 251038 control chromosomes. c.2182G>A has been observed in compound heterozygous and homozygous individuals affected with Leber Congenital Amaurosis (e.g., Li_2011, Coppieters_2012, Yi_2021, internal data). These data indicate that the variant is likely to be associated with disease. To our knowledge, no experimental evidence demonstrating an impact on protein function has been reported. The following publications have been ascertained in the context of this evaluation (PMID: 21602930, 22261762, 34048777). ClinVar contains an entry for this variant (Variation ID: 866419). Based on the evidence outlined above, the variant was classified as likely pathogenic.

Labcorp Genetics (formerly Invitae), Labcorp
Classification: Likely pathogenic for Leber congenital amaurosis 1; Cone-rod dystrophy 6. Last evaluated: 2024-09-09. Review status: criteria provided, single submitter. Criteria: Invitae Variant Classification Sherloc (09022015). Collection method: clinical testing. Allele origin: germline.
Comment: This sequence change replaces aspartic acid, which is acidic and polar, with asparagine, which is neutral and polar, at codon 728 of the GUCY2D protein (p.Asp728Asn). This variant is present in population databases (rs766646217, gnomAD 0.002%). This missense change has been observed in individual(s) with autosomal recessive Leber congenital amaurosis and/or GUCY2D-related conditions (PMID: 21602930, 34048777; internal data). In at least one individual the data is consistent with being in trans (on the opposite chromosome) from a pathogenic variant. ClinVar contains an entry for this variant (Variation ID: 866419). Invitae Evidence Modeling of protein sequence and biophysical properties (such as structural, functional, and spatial information, amino acid conservation, physicochemical variation, residue mobility, and thermodynamic stability) indicates that this missense variant is expected to disrupt GUCY2D protein function with a positive predictive value of 80%. In summary, the currently available evidence indicates that the variant is pathogenic, but additional data are needed to prove that conclusively. Therefore, this variant has been classified as Likely Pathogenic.

Blueprint Genetics
Classification: Pathogenic for GUCY2D-related disorders. Last evaluated: 2022-01-21. Review status: criteria provided, single submitter. Criteria: ACMG Guidelines, 2015. Collection method: clinical testing. Allele origin: germline. Affected: yes. Observed: 5 variant alleles.

Literature cited by the submitters: PubMed 21602930 (cited by Women's Health and Genetics/Laboratory Corporation of America, LabCorp and Labcorp Genetics (formerly Invitae), Labcorp); PubMed 22261762 (cited by Women's Health and Genetics/Laboratory Corporation of America, LabCorp); PubMed 34048777 (cited by Women's Health and Genetics/Laboratory Corporation of America, LabCorp and Labcorp Genetics (formerly Invitae), Labcorp).